The following is an entry in ClinVar:

ClinVar aggregate classification (germline): Pathogenic (1 of 4 stars; one submission).

Conditions:
GRACILE syndrome (FLNMS). Also called: FELLMAN SYNDROME; FINNISH LETHAL NEONATAL METABOLIC SYNDROME. Identifiers: Orphanet 53693, MedGen C1864002, MONDO:0011308, OMIM 603358.

Submission:

Women's Health and Genetics/Laboratory Corporation of America, LabCorp
Classification: Pathogenic for GRACILE syndrome. Last evaluated: 2025-10-13. Review status: criteria provided, single submitter. Criteria: LabCorp Variant Classification Summary - May 2015. Collection method: clinical testing. Allele origin: germline.
Comment: Variant summary: BCS1L c.694_695dupCC (p.Gly233LeufsX23) results in a premature termination codon, predicted to cause a truncation of the encoded protein or absence of the protein due to nonsense mediated decay, which are commonly known mechanisms for disease. The variant was absent in 251408 control chromosomes. To our knowledge, no occurrence of c.694_695dupCC in individuals affected with BCS1L-related conditions and no experimental evidence demonstrating its impact on protein function have been reported. No submitters have cited clinical-significance assessments for this variant to ClinVar. Based on the evidence outlined above, the variant was classified as pathogenic.

NM_001079866.2(BCS1L):c.694_695dup (p.Gly233fs)

Gene: BCS1L (BCS1 ubiquinol-cytochrome c reductase complex chaperone; plus strand). Cytogenetic location: 2q35.
Variant type: Duplication.
Coding change: c.694_695dup on transcript NM_001079866.2 (MANE Select); coding-DNA positions 694 to 695, 2 bases duplicated (CC; older notation c.694_695dupCC).
Protein change: p.Gly233fs; shifts the reading frame from glycine 233.
Molecular consequence: frameshift variant. On other transcripts: non-coding transcript variant (1).
Genome position (GRCh38, 1-based): chr2:218,662,235-218,662,236, CC duplicated; duplicating any 2 consecutive bases within chr2:218,662,232-218,662,236 gives the same sequence; the c. name uses the placement nearest the transcript's 3' end. VCF-style (leftmost placement, unchanged base first): chr2-218662231-G-GCC. GRCh37 (hg19) VCF-style: chr2-219526954-G-GCC.
Other names: c.694_695dupCC (NM_004328.5); c.694_695dup, p.Gly233fs (NM_001257342.2, NM_001257343.2, NM_001257344.2 and 10 more transcripts); c.334_335dup, p.Gly113fs (NM_001318836.2, NM_001371451.1); c.193_194dup, p.Gly66fs (NM_001371452.1, NM_001371453.1, NM_001371454.1 and 3 more transcripts); short protein forms G113fs, G233fs, G66fs.
Identifiers: ClinVar variation 4687344 (VCV004687344.1).
Genomic context (GRCh38, chr2:218,662,231, plus strand): 5'-CATGATCATCCTGGCTCTATCCCTAGGCATTCCTTACAGACGTGGCTACCTGCTTTATGG[G>GCC]CCCCCTGGTTGCGGAAAGAGCAGTTTTATGTGAGTATTCAAAATTTCTCTCAACTTGGCA-3'